The following is an entry in ClinVar:

NM_152443.3(RDH12):c.571G>A (p.Glu191Lys)

Genes: GPHN (gephyrin; plus strand), RDH12 (retinol dehydrogenase 12; plus strand). Cytogenetic location: 14q24.1.
Variant type: single nucleotide variant.
Coding change: c.571G>A on transcript NM_152443.3 (MANE Select); coding-DNA position 571, G replaced by A.
Protein change: p.Glu191Lys; replaces glutamic acid 191 with lysine.
Molecular consequence: missense variant.
Genome position (GRCh38, 1-based): chr14:67,727,103, G>A. VCF-style: chr14-67727103-G-A. GRCh37 (hg19) VCF-style: chr14-68193820-G-A.
Other names: short protein forms E191K.
Identifiers: ClinVar variation 2053703 (VCV002053703.3), dbSNP rs144793387, ClinGen allele CA7238751.
Genomic context (GRCh38, chr14:67,727,103, plus strand): 5'-GTTAATGTGTCCTCGGTGGCTCACCACATTGGCAAGATTCCCTTCCACGACCTCCAGAGC[G>A]AGAAGCGCTACAGCAGGGGTTTTGCCTATTGCCACAGCAAGCTGGCCAATGTGCTTTTTA-3'
Protein context (NP_689656.2, residues 181-201): GKIPFHDLQS[Glu191Lys]KRYSRGFAYC

ClinVar aggregate classification (germline): Uncertain significance. Review status: criteria provided, multiple submitters, no conflicts (2 of 4 stars). 2 submissions from 2 submitters: Uncertain significance (2). Last evaluated 2025-07-13.

Conditions:
Leber congenital amaurosis 13 (LCA13). Identifiers: MedGen C2675186, MONDO:0012990, OMIM 612712.

Allele frequency attached by ClinVar (database versions not stated): gnomAD exomes 0.00001; ExAC 0.00003; gnomAD 0.00004; TOPMed 0.00005; ESP Exome Variant Server 0.00008.
gnomAD v4.1: 31 of 1,614,082 alleles (0.0019%); highest among the groups gnomAD compares: African/African-American, 0.013%; no homozygotes.

Submissions (2):

Labcorp Genetics (formerly Invitae), Labcorp
Classification: Uncertain significance for Leber congenital amaurosis 13. Last evaluated: 2025-07-13. Review status: criteria provided, single submitter. Criteria: Invitae Variant Classification Sherloc (09022015). Collection method: clinical testing. Allele origin: germline.
Comment: This sequence change replaces glutamic acid, which is acidic and polar, with lysine, which is basic and polar, at codon 191 of the RDH12 protein (p.Glu191Lys). This variant is present in population databases (rs144793387, gnomAD 0.03%). This variant has not been reported in the literature in individuals affected with RDH12-related conditions. ClinVar contains an entry for this variant (Variation ID: 2053703). Invitae Evidence Modeling of protein sequence and biophysical properties (such as structural, functional, and spatial information, amino acid conservation, physicochemical variation, residue mobility, and thermodynamic stability) indicates that this missense variant is not expected to disrupt RDH12 protein function with a negative predictive value of 80%. In summary, the available evidence is currently insufficient to determine the role of this variant in disease. Therefore, it has been classified as a Variant of Uncertain Significance.

Blueprint Genetics
Classification: Uncertain significance. Last evaluated: 2022-03-03. Review status: criteria provided, single submitter. Criteria: ACMG Guidelines, 2015. Collection method: clinical testing. Allele origin: germline.